The following is an entry in ClinVar:

ClinVar aggregate classification (germline): Uncertain significance (1 of 4 stars; one submission).

Conditions:
Fanconi anemia (FA). Also called: Fanconi's anemia. Identifiers: Orphanet 84, MedGen C0015625, MeSH D005199, MONDO:0019391.

Allele frequency attached by ClinVar (database versions not stated): ExAC 0.00002.
gnomAD v4.1: 4 of 1,614,184 alleles (0.00025%); highest among the groups gnomAD compares: Non-Finnish European, 0.00034%; no homozygotes.

Submission:

Labcorp Genetics (formerly Invitae), Labcorp
Classification: Uncertain significance for Fanconi anemia. Last evaluated: 2022-07-12. Review status: criteria provided, single submitter. Criteria: Invitae Variant Classification Sherloc (09022015). Collection method: clinical testing. Allele origin: germline.
Comment: In summary, the available evidence is currently insufficient to determine the role of this variant in disease. Therefore, it has been classified as a Variant of Uncertain Significance. Algorithms developed to predict the effect of missense changes on protein structure and function are either unavailable or do not agree on the potential impact of this missense change (SIFT: "Deleterious"; PolyPhen-2: "Probably Damaging"; Align-GVGD: "Class C0"). This variant has not been reported in the literature in individuals affected with SLX4-related conditions. This variant is present in population databases (rs777266305, gnomAD 0.003%). This sequence change replaces lysine, which is basic and polar, with isoleucine, which is neutral and non-polar, at codon 127 of the SLX4 protein (p.Lys127Ile).

NM_032444.4(SLX4):c.380A>T (p.Lys127Ile)

Gene: SLX4 (SLX4 structure-specific endonuclease subunit; minus strand). Cytogenetic location: 16p13.3.
Variant type: single nucleotide variant.
Coding change: c.380A>T on transcript NM_032444.4 (MANE Select); coding-DNA position 380, A replaced by T.
Protein change: p.Lys127Ile; replaces lysine 127 with isoleucine.
Molecular consequence: missense variant.
Genome position (GRCh38, 1-based): chr16:3,608,585, T>A on the plus strand (A>T on the coding strand, the complement: SLX4 is on the minus strand). VCF-style: chr16-3608585-T-A. GRCh37 (hg19) VCF-style: chr16-3658586-T-A.
Other names: short protein forms K127I.
Identifiers: ClinVar variation 2153644 (VCV002153644.4), dbSNP rs777266305, ClinGen allele CA7866894.
Genomic context (GRCh38, chr16:3,608,585, plus strand): 5'-GCAGAGGCAAGCACACCCCCCTCCCCATTCACAGAGTGGGCCGGTTCACTTGCTTGCCAT[T>A]TGGTTACCCTTTGCTTTTTAGTCCTAGGGGCCTGGCTGCCAGACGGAGGTTTCTTCTCTG-3'
Protein context (NP_115820.2, residues 117-137): APRTKKQRVT[Lys127Ile]WQASEPAHSV